The following is an entry in ClinVar:

ClinVar aggregate classification (germline): Uncertain significance (1 of 4 stars; one submission).

Conditions:
Dilated cardiomyopathy 1W (CMD1W). Identifiers: Orphanet 154, MedGen C1969639, MONDO:0012667, OMIM 611407.

Submission:

Labcorp Genetics (formerly Invitae), Labcorp
Classification: Uncertain significance for Dilated cardiomyopathy 1W. Last evaluated: 2024-10-22. Review status: criteria provided, single submitter. Criteria: Invitae Variant Classification Sherloc (09022015). Collection method: clinical testing. Allele origin: germline.
Comment: This sequence change replaces leucine, which is neutral and non-polar, with valine, which is neutral and non-polar, at codon 765 of the VCL protein (p.Leu765Val). This variant is not present in population databases (gnomAD no frequency). This variant has not been reported in the literature in individuals affected with VCL-related conditions. An algorithm developed to predict the effect of missense changes on protein structure and function (PolyPhen-2) suggests that this variant is likely to be disruptive. In summary, the available evidence is currently insufficient to determine the role of this variant in disease. Therefore, it has been classified as a Variant of Uncertain Significance.

NM_014000.3(VCL):c.2293C>G (p.Leu765Val)

Gene: VCL (vinculin; plus strand). Cytogenetic location: 10q22.2.
Variant type: single nucleotide variant.
Coding change: c.2293C>G on transcript NM_014000.3 (MANE Select); coding-DNA position 2293, C replaced by G.
Protein change: p.Leu765Val; replaces leucine 765 with valine.
Molecular consequence: missense variant.
Genome position (GRCh38, 1-based): chr10:74,105,212, C>G. VCF-style: chr10-74105212-C-G. GRCh37 (hg19) VCF-style: chr10-75864970-C-G.
Other names: c.2293C>G, p.Leu765Val (NM_003373.4); short protein forms L765V.
Identifiers: ClinVar variation 2737574 (VCV002737574.3), dbSNP rs2549232203, ClinGen allele CA377262394.
Genomic context (GRCh38, chr10:74,105,212, plus strand): 5'-CAGCCTCAGATGCTGGTTGCTGGGGCAACCAGTATTGCTCGTCGGGCCAACCGGATCCTG[C>G]TGGTGGCTAAGAGGGAGGTGGAGAATTCCGAGGATCCCAAGTTCCGTGAGGCTGTGAAAG-3'
Protein context (NP_054706.1, residues 755-775): SIARRANRIL[Leu765Val]VAKREVENSE